The following is an entry in ClinVar:

NM_000795.4(DRD2):c.880C>T (p.Arg294Trp)

Gene: DRD2 (dopamine receptor D2; minus strand). Cytogenetic location: 11q23.2.
Variant type: single nucleotide variant.
Coding change: c.880C>T on transcript NM_000795.4 (MANE Select); coding-DNA position 880, C replaced by T.
Protein change: p.Arg294Trp; replaces arginine 294 with tryptophan.
Molecular consequence: missense variant.
Genome position (GRCh38, 1-based): chr11:113,412,814, G>A on the plus strand (C>T on the coding strand, the complement: DRD2 is on the minus strand). VCF-style: chr11-113412814-G-A. GRCh37 (hg19) VCF-style: chr11-113283536-G-A.
Other names: c.793C>T, p.Arg265Trp (NM_016574.4); short protein forms R294W, R265W.
Identifiers: ClinVar variation 581448 (VCV000581448.8), dbSNP rs758884516, ClinGen allele CA6281234.

ClinVar aggregate classification (germline): Uncertain significance (1 of 4 stars; one submission).

Conditions:
Dystonic disorder. Also called: Dystonia. Identifiers: MedGen C0013421, MONDO:0003441, HP:0001332.

Allele frequency attached by ClinVar (database versions not stated): ExAC 0.00001; TOPMed 0.00001; gnomAD 0.00002; gnomAD exomes 0.00002.
gnomAD v4.1: 27 of 1,613,374 alleles (0.0017%); highest among the groups gnomAD compares: South Asian, 0.0022%; no homozygotes.

Submission:

Labcorp Genetics (formerly Invitae), Labcorp
Classification: Uncertain significance for Dystonic disorder. Last evaluated: 2018-05-18. Review status: criteria provided, single submitter. Criteria: Invitae Variant Classification Sherloc (09022015). Collection method: clinical testing. Allele origin: germline.
Comment: In summary, the available evidence is currently insufficient to determine the role of this variant in disease. Therefore, it has been classified as a Variant of Uncertain Significance. Algorithms developed to predict the effect of missense changes on protein structure and function do not agree on the potential impact of this missense change (SIFT: "Deleterious"; PolyPhen-2: "Possibly Damaging"; Align-GVGD: "Class C0"). This variant has not been reported in the literature in individuals with DRD2-related disease. This variant is present in population databases (rs758884516, ExAC 0.006%). This sequence change replaces arginine with tryptophan at codon 294 of the DRD2 protein (p.Arg294Trp). The arginine residue is moderately conserved and there is a moderate physicochemical difference between arginine and tryptophan.